The following is an entry in ClinVar:

NM_001035.3(RYR2):c.14045C>T (p.Ala4682Val)

Gene: RYR2 (ryanodine receptor 2; plus strand). Cytogenetic location: 1q43.
Variant type: single nucleotide variant.
Coding change: c.14045C>T on transcript NM_001035.3 (MANE Select); coding-DNA position 14045, C replaced by T.
Protein change: p.Ala4682Val; replaces alanine 4682 with valine.
Molecular consequence: missense variant.
Genome position (GRCh38, 1-based): chr1:237,798,125, C>T. VCF-style: chr1-237798125-C-T. GRCh37 (hg19) VCF-style: chr1-237961425-C-T.
Other names: short protein forms A4682V.
Identifiers: ClinVar variation 3716490 (VCV003716490.2).

ClinVar aggregate classification (germline): Uncertain significance (1 of 4 stars; one submission).

Conditions:
Catecholaminergic polymorphic ventricular tachycardia 1. Also called: VENTRICULAR TACHYCARDIA, STRESS-INDUCED POLYMORPHIC 1; VENTRICULAR TACHYCARDIA, CATECHOLAMINERGIC POLYMORPHIC, 1, WITH OR WITHOUT ATRIAL DYSFUNCTION AND/OR DILATED CARDIOMYOPATHY; RYR2-Related Catecholaminergic Polymorphic Ventricular Tachycardia. Identifiers: Orphanet 3286, MedGen C1631597, MONDO:0011484, OMIM 604772.

Submission:

Labcorp Genetics (formerly Invitae), Labcorp
Classification: Uncertain significance for Catecholaminergic polymorphic ventricular tachycardia 1. Last evaluated: 2024-03-24. Review status: criteria provided, single submitter. Criteria: Invitae Variant Classification Sherloc (09022015). Collection method: clinical testing. Allele origin: germline.
Comment: This sequence change replaces alanine, which is neutral and non-polar, with valine, which is neutral and non-polar, at codon 4682 of the RYR2 protein (p.Ala4682Val). This variant is not present in population databases (gnomAD no frequency). This variant has not been reported in the literature in individuals affected with RYR2-related conditions. Advanced modeling of protein sequence and biophysical properties (such as structural, functional, and spatial information, amino acid conservation, physicochemical variation, residue mobility, and thermodynamic stability) performed at Invitae indicates that this missense variant is not expected to disrupt RYR2 protein function with a negative predictive value of 95%. In summary, the available evidence is currently insufficient to determine the role of this variant in disease. Therefore, it has been classified as a Variant of Uncertain Significance.